The following is an entry in ClinVar:

ClinVar aggregate classification (germline): Conflicting classifications of pathogenicity. Review status: criteria provided, conflicting classifications (1 of 4 stars). 2 submissions from 2 submitters: Uncertain significance (1); Likely benign (1). Last evaluated 2024-05-06.

Conditions:
Cone-rod dystrophy 6 (CORD6). Also called: Cone dystrophy progressive; RETINAL CONE DYSTROPHY 2. Identifiers: Orphanet 1872, MedGen C1866293, MONDO:0011143, OMIM 601777.

Allele frequency attached by ClinVar (database versions not stated): gnomAD exomes below 0.00001 and 0.00001; gnomAD 0.00001; TOPMed 0.00002.
gnomAD v4.1: 17 of 1,589,864 alleles (0.0011%); highest among the groups gnomAD compares: Middle Eastern, 0.017%; no homozygotes.

Submissions (2):

Labcorp Genetics (formerly Invitae), Labcorp
Classification: Likely benign. Last evaluated: 2024-05-06. Review status: criteria provided, single submitter. Criteria: Invitae Variant Classification Sherloc (09022015). Collection method: clinical testing. Allele origin: germline.

Blueprint Genetics
Classification: Uncertain significance. Last evaluated: 2022-03-10. Review status: criteria provided, single submitter. Criteria: ACMG Guidelines, 2015. Collection method: clinical testing. Allele origin: germline.

NM_172364.5(CACNA2D4):c.310-8C>G

Gene: CACNA2D4 (calcium voltage-gated channel auxiliary subunit alpha2delta 4; minus strand). Cytogenetic location: 12p13.33.
Variant type: single nucleotide variant.
Coding change: c.310-8C>G on transcript NM_172364.5 (MANE Select); 8 bases into the intron before coding-DNA position 310, C replaced by G.
Molecular consequence: intron variant.
Genome position (GRCh38, 1-based): chr12:1,913,147, G>C on the plus strand (C>G on the coding strand, the complement: CACNA2D4 is on the minus strand). VCF-style: chr12-1913147-G-C. GRCh37 (hg19) VCF-style: chr12-2022313-G-C.
Identifiers: ClinVar variation 866690 (VCV000866690.9), dbSNP rs931193038, ClinGen allele CA231587516.
Genomic context (GRCh38, chr12:1,913,147, plus strand): 5'-TCCAAGCCATCCACCTCCTCGATCTTCAGACTGGACTCCACATCCTTGTACTTCTGTTTG[G>C]GGAAAGTGGGAGAGATGCGTGCATGTGGTTTTGTACCAGGATAGTTGCACCTGTGTATGC-3'